The following is an entry in ClinVar:

NM_130468.4(CHST14):c.567G>A (p.Val189=)

Gene: CHST14 (carbohydrate sulfotransferase 14; plus strand). Cytogenetic location: 15q15.1.
Variant type: single nucleotide variant.
Coding change: c.567G>A on transcript NM_130468.4 (MANE Select); coding-DNA position 567, G replaced by A.
Protein change: p.Val189=; no amino-acid change (valine 189 retained).
Molecular consequence: synonymous variant.
Genome position (GRCh38, 1-based): chr15:40,471,780, G>A. VCF-style: chr15-40471780-G-A. GRCh37 (hg19) VCF-style: chr15-40763979-G-A.
Identifiers: ClinVar variation 713138 (VCV000713138.13), dbSNP rs758319940, ClinGen allele CA7481613.

ClinVar aggregate classification (germline): Benign. Review status: criteria provided, multiple submitters, no conflicts (2 of 4 stars). 3 submissions from 3 submitters: Benign (2). 1 of the submissions does not count toward it. Last evaluated 2026-01-27.

Conditions:
CHST14-related disorder. Also called: CHST14-related condition.
Cardiovascular phenotype. Identifiers: MedGen CN230736.
Ehlers-Danlos syndrome, musculocontractural type (EDSMC). Also called: ARTHROGRYPOSIS, DISTAL, WITH PECULIAR FACIES AND HYDRONEPHROSIS; DUNDAR SYNDROME; ADDUCTED THUMB-CLUBFOOT SYNDROME; Adducted thumb, clubfoot, progressive joint and skin laxity syndrome. Identifiers: Orphanet 2953, MedGen C1866294, MONDO:0011142.

Allele frequency attached by ClinVar (database versions not stated): gnomAD exomes 0.00004 and 0.00024; gnomAD 0.00006; TOPMed 0.00010; ExAC 0.00020.

Submissions (3):

Labcorp Genetics (formerly Invitae), Labcorp
Classification: Benign for Ehlers-Danlos syndrome, musculocontractural type. Last evaluated: 2026-01-27. Review status: criteria provided, single submitter. Criteria: Invitae Variant Classification Sherloc (09022015). Collection method: clinical testing. Allele origin: germline.

Ambry Genetics
Classification: Benign for Cardiovascular phenotype. Last evaluated: 2020-10-16. Review status: criteria provided, single submitter. Criteria: Ambry Variant Classification Scheme 2023. Collection method: clinical testing. Allele origin: germline.

PreventionGenetics, part of Exact Sciences
Classification: Likely benign for CHST14-related condition. Last evaluated: 2020-11-16. Review status: no assertion criteria provided. Collection method: clinical testing. Allele origin: germline. Not counted in ClinVar's aggregate classification.
Comment: This variant is classified as likely benign based on ACMG/AMP sequence variant interpretation guidelines (Richards et al. 2015 PMID: 25741868, with internal and published modifications).